The following is an entry in ClinVar:

ClinVar aggregate classification (germline): Uncertain significance. Review status: criteria provided, multiple submitters, no conflicts (2 of 4 stars). 2 submissions from 2 submitters: Uncertain significance (2). Last evaluated 2022-09-01.

Conditions:
Sulfite oxidase deficiency. Also called: Isolated sulfite oxidase deficiency. Identifiers: Orphanet 833, Orphanet 99731, MedGen C0268624, MONDO:0010089, OMIM 272300, HP:0003643.

Allele frequency attached by ClinVar (database versions not stated): gnomAD exomes below 0.00001.

Submissions (2):

Labcorp Genetics (formerly Invitae), Labcorp
Classification: Uncertain significance for Sulfite oxidase deficiency. Last evaluated: 2022-09-01. Review status: criteria provided, single submitter. Criteria: Invitae Variant Classification Sherloc (09022015). Collection method: clinical testing. Allele origin: germline.
Comment: This sequence change replaces lysine, which is basic and polar, with glutamic acid, which is acidic and polar, at codon 494 of the SUOX protein (p.Lys494Glu). This variant is present in population databases (no rsID available, gnomAD 0.003%). This variant has not been reported in the literature in individuals affected with SUOX-related conditions. ClinVar contains an entry for this variant (Variation ID: 1030810). Algorithms developed to predict the effect of missense changes on protein structure and function (SIFT, PolyPhen-2, Align-GVGD) all suggest that this variant is likely to be tolerated. In summary, the available evidence is currently insufficient to determine the role of this variant in disease. Therefore, it has been classified as a Variant of Uncertain Significance.

Baylor Genetics
Classification: Uncertain significance for Sulfite oxidase deficiency. Last evaluated: 2020-06-04. Review status: criteria provided, single submitter. Criteria: ACMG Guidelines, 2015. Collection method: clinical testing. Allele origin: maternal. Affected: yes.
Comment: This variant was determined to be of uncertain significance according to ACMG Guidelines, 2015 [PMID:25741868].

NM_001032386.2(SUOX):c.1480A>G (p.Lys494Glu)

Gene: SUOX (sulfite oxidase; plus strand). Cytogenetic location: 12q13.2.
Variant type: single nucleotide variant.
Coding change: c.1480A>G on transcript NM_001032386.2 (MANE Select); coding-DNA position 1480, A replaced by G.
Protein change: p.Lys494Glu; replaces lysine 494 with glutamic acid.
Molecular consequence: missense variant.
Genome position (GRCh38, 1-based): chr12:56,004,869, A>G. VCF-style: chr12-56004869-A-G. GRCh37 (hg19) VCF-style: chr12-56398653-A-G.
Other names: c.1480A>G, p.Lys494Glu (NM_000456.3, NM_001032387.2); short protein forms K494E.
Identifiers: ClinVar variation 1030810 (VCV001030810.5), dbSNP rs1480202549, ClinGen allele CA385297261.
Genomic context (GRCh38, chr12:56,004,869, plus strand): 5'-AAGCTGGATGGAGAGGAACAGCGCCCCAGGAAGGCCTGGGCATGGCGTCTGTGGCAGTTG[A>G]AAGCCCCTGTGCCAGCTGGACAAAAGGAACTGAACATTGTTTGTAAGGCTGTGGATGATG-3'
Protein context (NP_001027558.1, residues 484-504): KAWAWRLWQL[Lys494Glu]APVPAGQKEL